The following is an entry in ClinVar:

NM_015151.4(DIP2A):c.378G>A (p.Ser126=)

Gene: DIP2A (DIP2 acetate--CoA ligase A; plus strand). Cytogenetic location: 21q22.3.
Variant type: single nucleotide variant.
Coding change: c.378G>A on transcript NM_015151.4 (MANE Select); coding-DNA position 378, G replaced by A.
Protein change: p.Ser126=; no amino-acid change (serine 126 retained).
Molecular consequence: synonymous variant.
Genome position (GRCh38, 1-based): chr21:46,497,082, G>A. VCF-style: chr21-46497082-G-A. GRCh37 (hg19) VCF-style: chr21-47916995-G-A.
Other names: c.378G>A, p.Ser126= (NM_001146115.2, NM_001146116.2, NM_001353942.2 and 6 more transcripts); c.378G>A (NM_015151.3).
Identifiers: ClinVar variation 2652831 (VCV002652831.25), dbSNP rs181610004, ClinGen allele CA10081691.
Genomic context (GRCh38, chr21:46,497,082, plus strand): 5'-CAAATACAAAGAGAGGAAGATGCCTATGCCTTCGAAGAGACGTTCTGTCCTTGTGCATTC[G>A]TCTGTGGAAACCTACACCCCTCCAGGTATTGATAAACAATGTCAAGTGTGGCTTTTTTTT-3'
Protein context (NP_055966.2, residues 116-136): PSKRRSVLVH[Ser126=]SVETYTPPDT

ClinVar aggregate classification (germline): Likely benign. Review status: criteria provided, single submitter (1 of 4 stars). 2 submissions from 2 submitters: Likely benign (1). 1 of the submissions does not count toward it. Last evaluated 2023-01-01.

Conditions:
DIP2A-related disorder. Also called: DIP2A-related condition.

Allele frequency attached by ClinVar (database versions not stated): TOPMed 0.00030; 1000 Genomes Project 30x 0.00031; gnomAD 0.00038; 1000 Genomes Project 0.00040; gnomAD exomes 0.00050; ExAC 0.00052; ESP Exome Variant Server 0.00065.
gnomAD v4.1: 799 of 1,613,784 alleles (0.05%); highest among the groups gnomAD compares: South Asian, 0.093%; 1 homozygote.

Submissions (2):

CeGaT Center for Human Genetics Tuebingen
Classification: Likely benign. Last evaluated: 2023-01-01. Review status: criteria provided, single submitter. Criteria: CeGaT Center For Human Genetics Tuebingen Variant Classification Criteria Version 2. Collection method: clinical testing. Allele origin: germline. Affected: yes. Observed: 1 variant allele.
Comment: DIP2A: BP4, BP7

PreventionGenetics, part of Exact Sciences
Classification: Likely benign for DIP2A-related condition. Last evaluated: 2019-05-24. Review status: no assertion criteria provided. Collection method: clinical testing. Allele origin: germline. Not counted in ClinVar's aggregate classification.
Comment: This variant is classified as likely benign based on ACMG/AMP sequence variant interpretation guidelines (Richards et al. 2015 PMID: 25741868, with internal and published modifications).